The following is an entry in ClinVar:

NM_018008.4(FEZF2):c.983C>G (p.Thr328Ser)

Gene: FEZF2 (FEZ family zinc finger 2; minus strand). Cytogenetic location: 3p14.2.
Variant type: single nucleotide variant.
Coding change: c.983C>G on transcript NM_018008.4 (MANE Select); coding-DNA position 983, C replaced by G.
Protein change: p.Thr328Ser; replaces threonine 328 with serine.
Molecular consequence: missense variant.
Genome position (GRCh38, 1-based): chr3:62,371,537, G>C on the plus strand (C>G on the coding strand, the complement: FEZF2 is on the minus strand). VCF-style: chr3-62371537-G-C. GRCh37 (hg19) VCF-style: chr3-62357212-G-C.
Other names: short protein forms T328S.
Identifiers: ClinVar variation 4795714 (VCV004795714.1).

ClinVar aggregate classification (germline): Uncertain significance (1 of 4 stars; one submission).

Submission:

GeneDx
Classification: Uncertain significance. Last evaluated: 2025-08-11. Review status: criteria provided, single submitter. Criteria: GeneDx Variant Classification Process June 2021. Collection method: clinical testing. Allele origin: germline. Affected: yes.
Comment: Not observed at significant frequency in large population cohorts (gnomAD); In silico analysis supports that this missense variant has a deleterious effect on protein structure/function; Has not been previously published as pathogenic or benign to our knowledge